The following is an entry in ClinVar:

ClinVar aggregate classification (germline): Conflicting classifications of pathogenicity. Review status: criteria provided, conflicting classifications (1 of 4 stars). 3 submissions from 3 submitters: Uncertain significance (2); Likely benign (1). Last evaluated 2024-08-20.

Conditions:
Autosomal recessive limb-girdle muscular dystrophy type 2J (LGMDR10). Also called: MUSCULAR DYSTROPHY, LIMB-GIRDLE, AUTOSOMAL RECESSIVE 10; Limb-girdle muscular dystrophy, type 2J. Identifiers: Orphanet 140922, MedGen C1837342, MONDO:0012127, OMIM 608807.
Dilated cardiomyopathy 1G (CMD1G). Identifiers: Orphanet 154, MedGen C1858763, MONDO:0011400, OMIM 604145.

Allele frequency attached by ClinVar (database versions not stated): gnomAD exomes below 0.00001; TOPMed below 0.00001; ExAC 0.00001; gnomAD 0.00001.
gnomAD v4.1: 2 of 1,614,004 alleles (0.00012%); highest among the groups gnomAD compares: Admixed American, 0.0017%; no homozygotes.

Submissions (3):

Labcorp Genetics (formerly Invitae), Labcorp
Classification: Uncertain significance for Dilated cardiomyopathy 1G; Autosomal recessive limb-girdle muscular dystrophy type 2J. Last evaluated: 2024-08-20. Review status: criteria provided, single submitter. Criteria: Invitae Variant Classification Sherloc (09022015). Collection method: clinical testing. Allele origin: germline.
Comment: This sequence change falls in intron 38 of the TTN gene. It does not directly change the encoded amino acid sequence of the TTN protein. It affects a nucleotide within the consensus splice site. This variant is present in population databases (rs760597240, gnomAD 0.003%). This variant has not been reported in the literature in individuals affected with TTN-related conditions. ClinVar contains an entry for this variant (Variation ID: 202286). Variants that disrupt the consensus splice site are a relatively common cause of aberrant splicing (PMID: 17576681, 9536098). Algorithms developed to predict the effect of sequence changes on RNA splicing suggest that this variant is not likely to affect RNA splicing. This variant is located in the I band of TTN (PMID: 25589632). Non-truncating variants in this region may be clinically relevant, but have not been definitively shown to cause cardiomyopathy or neuromuscular disease (PMID: 27493940, 32778822). In summary, the available evidence is currently insufficient to determine the role of this variant in disease. Therefore, it has been classified as a Variant of Uncertain Significance.

Blueprint Genetics
Classification: Uncertain significance. Last evaluated: 2023-02-06. Review status: criteria provided, single submitter. Criteria: ACMG Guidelines, 2015. Collection method: clinical testing. Allele origin: germline.

GeneDx
Classification: Likely benign. Last evaluated: 2014-08-22. Review status: criteria provided, single submitter. Criteria: GeneDx Variant Classification (06012015). Collection method: clinical testing. Allele origin: germline. Affected: yes.
Comment: This variant is considered likely benign or benign based on one or more of the following criteria: it is a conservative change, it occurs at a poorly conserved position in the protein, it is predicted to be benign by multiple in silico algorithms, and/or has population frequency not consistent with disease.

Literature cited by the submitters: PubMed 17576681 (cited by Labcorp Genetics (formerly Invitae), Labcorp); PubMed 9536098 (cited by Labcorp Genetics (formerly Invitae), Labcorp); PubMed 25589632 (cited by Labcorp Genetics (formerly Invitae), Labcorp); PubMed 27493940 (cited by Labcorp Genetics (formerly Invitae), Labcorp); PubMed 32778822 (cited by Labcorp Genetics (formerly Invitae), Labcorp).

NM_001267550.2(TTN):c.9163+3A>G

Gene: TTN (titin; minus strand). Cytogenetic location: 2q31.2.
Variant type: single nucleotide variant.
Coding change: c.9163+3A>G on transcript NM_001267550.2 (MANE Select); 3 bases into the intron after coding-DNA position 9163, A replaced by G.
Molecular consequence: intron variant.
Genome position (GRCh38, 1-based): chr2:178,768,670, T>C on the plus strand (A>G on the coding strand, the complement: TTN is on the minus strand). VCF-style: chr2-178768670-T-C. GRCh37 (hg19) VCF-style: chr2-179633397-T-C.
Other names: c.9025+3A>G (NM_003319.4, NM_133437.4, NM_133432.3); c.9163+3A>G (NM_133378.4, NM_001256850.1, NM_133379.5).
Identifiers: ClinVar variation 202286 (VCV000202286.7), dbSNP rs760597240, ClinGen allele CA308982.